The following is an entry in ClinVar:

ClinVar aggregate classification (germline): Likely benign (1 of 4 stars; one submission).

Allele frequency attached by ClinVar (database versions not stated): gnomAD exomes below 0.00001; gnomAD 0.00001.
gnomAD v4.1: 4 of 1,612,506 alleles (0.00025%); highest among the groups gnomAD compares: Non-Finnish European, 0.00034%; no homozygotes.

Submission:

GeneDx
Classification: Likely benign. Last evaluated: 2018-06-04. Review status: criteria provided, single submitter. Criteria: GeneDx Variant Classification (06012015). Collection method: clinical testing. Allele origin: germline. Affected: yes.
Comment: This variant is considered likely benign or benign based on one or more of the following criteria: it is a conservative change, it occurs at a poorly conserved position in the protein, it is predicted to be benign by multiple in silico algorithms, and/or has population frequency not consistent with disease.

NM_001267550.2(TTN):c.44645A>C (p.Lys14882Thr)

Gene: TTN (titin; minus strand). Cytogenetic location: 2q31.2.
Variant type: single nucleotide variant.
Coding change: c.44645A>C on transcript NM_001267550.2 (MANE Select); coding-DNA position 44645, A replaced by C.
Protein change: p.Lys14882Thr; replaces lysine 14882 with threonine.
Molecular consequence: missense variant.
Genome position (GRCh38, 1-based): chr2:178,624,635, T>G on the plus strand (A>C on the coding strand, the complement: TTN is on the minus strand). VCF-style: chr2-178624635-T-G. GRCh37 (hg19) VCF-style: chr2-179489362-T-G.
Other names: c.39722A>C, p.Lys13241Thr (NM_001256850.1); c.17450A>C, p.Lys5817Thr (NM_003319.4); c.36941A>C, p.Lys12314Thr (NM_133378.4); c.17825A>C, p.Lys5942Thr (NM_133432.3); c.18026A>C, p.Lys6009Thr (NM_133437.4); short protein forms K13241T, K14882T, K12314T, K6009T, K5817T, K5942T.
Identifiers: ClinVar variation 679590 (VCV000679590.1), dbSNP rs988336748, ClinGen allele CA60996938.